The following is an entry in ClinVar:

ClinVar aggregate classification (germline): Likely benign. Review status: criteria provided, multiple submitters, no conflicts (2 of 4 stars). 2 submissions from 2 submitters: Likely benign (2). Last evaluated 2026-03-01.

gnomAD v4.1: 1,705 of 1,614,138 alleles (0.11%); highest among the groups gnomAD compares: Non-Finnish European, 0.081%; 6 homozygotes.

Submissions (2):

CeGaT Center for Human Genetics Tuebingen
Classification: Likely benign. Last evaluated: 2026-03-01. Review status: criteria provided, single submitter. Criteria: CeGaT Center For Human Genetics Tuebingen Variant Classification Criteria Version 2. Collection method: clinical testing. Allele origin: germline. Affected: yes. Observed: 4 variant alleles.
Comment: U2AF2: BP4, BP7

Blueprint Genetics
Classification: Likely benign. Last evaluated: 2024-11-23. Review status: criteria provided, single submitter. Criteria: ACMG Guidelines, 2015. Collection method: clinical testing. Allele origin: germline.

NM_007279.3(U2AF2):c.729C>T (p.Ser243=)

Gene: U2AF2 (U2 small nuclear RNA auxiliary factor 2; plus strand). Cytogenetic location: 19q13.42.
Variant type: single nucleotide variant.
Coding change: c.729C>T on transcript NM_007279.3 (MANE Select); coding-DNA position 729, C replaced by T.
Protein change: p.Ser243=; no amino-acid change (serine 243 retained).
Molecular consequence: synonymous variant.
Genome position (GRCh38, 1-based): chr19:55,663,731, C>T. VCF-style: chr19-55663731-C-T. GRCh37 (hg19) VCF-style: chr19-56175097-C-T.
Other names: c.729C>T, p.Ser243= (NM_001012478.2).
Identifiers: ClinVar variation 3770450 (VCV003770450.14).